The following is an entry in ClinVar:

ClinVar aggregate classification (germline): Uncertain significance. Review status: criteria provided, multiple submitters, no conflicts (2 of 4 stars). 3 submissions from 3 submitters: Uncertain significance (2). 1 of the submissions does not count toward it. Last evaluated 2024-09-10.

Conditions:
Inborn genetic diseases. Identifiers: MedGen C0950123, MeSH D030342.
LEPR-related disorder. Also called: LEPR-related condition; LEPR-related disorders.

Allele frequency attached by ClinVar (database versions not stated): gnomAD exomes 0.00001; gnomAD 0.00002; ExAC 0.00004; TOPMed 0.00004; ESP Exome Variant Server 0.00008.
gnomAD v4.1: 22 of 1,613,752 alleles (0.0014%); highest among the groups gnomAD compares: Non-Finnish European, 0.0018%; no homozygotes.

Submissions (3):

Blueprint Genetics
Classification: Uncertain significance. Last evaluated: 2024-09-10. Review status: criteria provided, single submitter. Criteria: ACMG Guidelines, 2015. Collection method: clinical testing. Allele origin: germline.

Ambry Genetics
Classification: Uncertain significance for Inborn genetic diseases. Last evaluated: 2021-08-02. Review status: criteria provided, single submitter. Criteria: Ambry Variant Classification Scheme 2023. Collection method: clinical testing. Allele origin: germline.

PreventionGenetics, part of Exact Sciences
Classification: Uncertain significance for LEPR-related condition. Last evaluated: 2024-04-29. Review status: no assertion criteria provided. Collection method: clinical testing. Allele origin: germline. Not counted in ClinVar's aggregate classification.
Comment: The LEPR c.1442C>T variant is predicted to result in the amino acid substitution p.Pro481Leu. This variant was observed in a cohort of individuals with obesity, and in vitro functional studies showed inconclusive evidence of loss of function (Supplemental Data Set, Shah et al. 2023. PubMed ID: 36864747). This variant is reported in 0.0035% of alleles in individuals of European (Non-Finnish) descent in gnomAD. At this time, the clinical significance of this variant is uncertain due to the absence of conclusive functional and genetic evidence.

NM_002303.6(LEPR):c.1442C>T (p.Pro481Leu)

Gene: LEPR (leptin receptor; plus strand). Cytogenetic location: 1p31.3.
Variant type: single nucleotide variant.
Coding change: c.1442C>T on transcript NM_002303.6 (MANE Select); coding-DNA position 1442, C replaced by T.
Protein change: p.Pro481Leu; replaces proline 481 with leucine.
Molecular consequence: missense variant.
Genome position (GRCh38, 1-based): chr1:65,605,076, C>T. VCF-style: chr1-65605076-C-T. GRCh37 (hg19) VCF-style: chr1-66070759-C-T.
Other names: c.1442C>T, p.Pro481Leu (NM_001003679.3, NM_001003680.3, NM_001198687.2 and 2 more transcripts); short protein forms P481L.
Identifiers: ClinVar variation 2636021 (VCV002636021.4), dbSNP rs367797193, ClinGen allele CA894809.